The following is an entry in ClinVar:

ClinVar aggregate classification (germline): Likely pathogenic. Review status: criteria provided, single submitter (1 of 4 stars). 2 submissions from 2 submitters: Likely pathogenic (1). 1 of the submissions does not count toward it. Last evaluated 2018-02-20.

Conditions:
Carcinoma of colon (CRC). Also called: Colonic carcinoma; Colon carcinoma. Identifiers: MedGen C0699790, MONDO:0002032.
Hereditary cancer-predisposing syndrome. Also called: Hereditary Cancer Syndrome; Hereditary neoplastic syndrome; Tumor predisposition; Neoplastic Syndromes, Hereditary. Identifiers: Orphanet 140162, MedGen C0027672, MeSH D009386, MONDO:0015356.

Submissions (2):

Ambry Genetics
Classification: Likely pathogenic for Hereditary cancer-predisposing syndrome. Last evaluated: 2018-02-20. Review status: criteria provided, single submitter. Criteria: Ambry Variant Classification Scheme 2023. Collection method: clinical testing. Allele origin: germline.
Comment: The c.457+1G>T intronic variant results from a G to T substitution one nucleotide after coding exon 2 of the MSH6 gene. This nucleotide position is highly conserved in available vertebrate species. Using the BDGP and ESEfinder splice site prediction tools, this alteration is predicted to abolish the native splice donor site; however, direct evidence is unavailable. Alterations that disrupt the canonical splice site are expected to cause aberrant splicing, resulting in an abnormal protein or a transcript that is subject to nonsense-mediated mRNA decay. As such, this alteration is classified as likely pathogenic.

Department of Pathology and Laboratory Medicine, Sinai Health System
Classification: Pathogenic for Carcinoma of colon. Review status: no assertion criteria provided. Collection method: clinical testing. Allele origin: unknown. Affected: yes. Study: The Canadian Open Genetics Repository (COGR). Not counted in ClinVar's aggregate classification.
Comment: The MSH6 c.457+1G>T variant was not identified in the literature nor was it identified in dbSNP, ClinVar UMD-LSDB, Exome Aggregation Consortium (August 8th 2016) and Genome Aggregation Database (Feb 27, 2017). The c.457+1G>T variant is predicted to cause abnormal splicing because the nucleotide substitution occurs in the invariant region of the splice consensus sequence. In addition 4 out of 4 in silico or computational prediction software programs (SpliceSiteFinder, MaxEntScan, NNSPLICE, GeneSplicer) predicted a greater than 10% difference in splicing. In summary, based on the above information this variant meets our laboratoryâ€šÃ„Ã´s criteria to be classified as pathogenic.

NM_000179.3(MSH6):c.457+1G>T

Gene: MSH6 (mutS homolog 6; plus strand). Cytogenetic location: 2p16.3.
Variant type: single nucleotide variant.
Coding change: c.457+1G>T on transcript NM_000179.3 (MANE Select); the canonical splice donor site of the intron after coding-DNA position 457, G replaced by T.
Molecular consequence: splice donor variant. On other transcripts: missense variant (1), intron variant (6).
Genome position (GRCh38, 1-based): chr2:47,791,124, G>T. VCF-style: chr2-47791124-G-T. GRCh37 (hg19) VCF-style: chr2-48018263-G-T.
Other names: c.458G>T, p.Gly153Val (NM_001406813.1); c.457+1G>T (NM_001406809.1, NM_001406796.1, NM_001406808.1 and 5 more transcripts); c.-280+1G>T (NM_001406811.1, NM_001281493.2, NM_001406829.1 and 1 more transcripts); c.160+1G>T (NM_001406805.1, NM_001406797.1, NM_001406801.1 and 10 more transcripts); c.553+1G>T (NM_001406795.1, NM_001406802.1); c.-472+1G>T (NM_001406807.1); c.-538+1G>T (NM_001406814.1); c.-280+154G>T (NM_001406812.1); and 6 more; short protein forms G153V.
Identifiers: ClinVar variation 1050025 (VCV001050025.3), dbSNP rs2104112957, ClinGen allele CA346737218.